The following is an entry in ClinVar:

ClinVar aggregate classification (germline): Uncertain significance. Review status: criteria provided, multiple submitters, no conflicts (2 of 4 stars). 2 submissions from 2 submitters: Uncertain significance (2). Last evaluated 2022-03-23.

Conditions:
Hereditary cancer-predisposing syndrome. Also called: Neoplastic Syndromes, Hereditary; Tumor predisposition; Hereditary Cancer Syndrome; Hereditary neoplastic syndrome. Identifiers: Orphanet 140162, MedGen C0027672, MeSH D009386, MONDO:0015356.
Familial cancer of breast. Also called: Hereditary breast cancer; BREAST CANCER, FAMILIAL; hereditary breast carcinoma. Identifiers: Orphanet 227535, MedGen C0346153, MONDO:0016419, OMIM 114480. Disease mechanism: loss of function.

Submissions (2):

Labcorp Genetics (formerly Invitae), Labcorp
Classification: Uncertain significance for Familial cancer of breast. Last evaluated: 2022-03-23. Review status: criteria provided, single submitter. Criteria: Invitae Variant Classification Sherloc (09022015). Collection method: clinical testing. Allele origin: germline.
Comment: This variant has not been reported in the literature in individuals affected with PALB2-related conditions. In summary, the available evidence is currently insufficient to determine the role of this variant in disease. Therefore, it has been classified as a Variant of Uncertain Significance. Algorithms developed to predict the effect of missense changes on protein structure and function (SIFT, PolyPhen-2, Align-GVGD) all suggest that this variant is likely to be tolerated. This variant is not present in population databases (gnomAD no frequency). This sequence change replaces arginine, which is basic and polar, with serine, which is neutral and polar, at codon 239 of the PALB2 protein (p.Arg239Ser).

Ambry Genetics
Classification: Uncertain significance for Hereditary cancer-predisposing syndrome. Last evaluated: 2020-01-27. Review status: criteria provided, single submitter. Criteria: Ambry Variant Classification Scheme 2023. Collection method: clinical testing. Allele origin: germline.
Comment: The p.R239S variant (also known as c.717A>T), located in coding exon 4 of the PALB2 gene, results from an A to T substitution at nucleotide position 717. The arginine at codon 239 is replaced by serine, an amino acid with dissimilar properties. This amino acid position is poorly conserved in available vertebrate species. In addition, this alteration is predicted to be tolerated by in silico analysis. Since supporting evidence is limited at this time, the clinical significance of this alteration remains unclear.

NM_024675.4(PALB2):c.717A>T (p.Arg239Ser)

Gene: PALB2 (partner and localizer of BRCA2; minus strand). Cytogenetic location: 16p12.2.
Variant type: single nucleotide variant.
Coding change: c.717A>T on transcript NM_024675.4 (MANE Select); coding-DNA position 717, A replaced by T.
Protein change: p.Arg239Ser; replaces arginine 239 with serine.
Molecular consequence: missense variant.
Genome position (GRCh38, 1-based): chr16:23,635,829, T>A on the plus strand (A>T on the coding strand, the complement: PALB2 is on the minus strand). VCF-style: chr16-23635829-T-A. GRCh37 (hg19) VCF-style: chr16-23647150-T-A.
Other names: c.657A>T, p.Arg219Ser (NM_001407296.1); c.717A>T, p.Arg239Ser (NM_001407297.1, NM_001407298.1, NM_001407299.1 and 3 more transcripts); c.-169A>T (NM_001407305.1, NM_001407306.1, NM_001407307.1 and 5 more transcripts); short protein forms R219S, R239S.
Identifiers: ClinVar variation 1757507 (VCV001757507.7), dbSNP rs1967026649, ClinGen allele CA395136313.